The following is an entry in ClinVar:

ClinVar aggregate classification (germline): Uncertain significance (1 of 4 stars; one submission).

Conditions:
Peroxisome biogenesis disorder, complementation group 7 (CG7). Also called: Peroxisome biogenesis disorder, complementation group B. Identifiers: MedGen C1864399.

Submission:

Labcorp Genetics (formerly Invitae), Labcorp
Classification: Uncertain significance for Peroxisome biogenesis disorder, complementation group 7. Last evaluated: 2022-07-12. Review status: criteria provided, single submitter. Criteria: Invitae Variant Classification Sherloc (09022015). Collection method: clinical testing. Allele origin: germline.
Comment: This sequence change replaces glutamic acid, which is acidic and polar, with aspartic acid, which is acidic and polar, at codon 268 of the PEX10 protein (p.Glu268Asp). This variant is not present in population databases (gnomAD no frequency). This variant has not been reported in the literature in individuals affected with PEX10-related conditions. Algorithms developed to predict the effect of missense changes on protein structure and function are either unavailable or do not agree on the potential impact of this missense change (SIFT: "Tolerated"; PolyPhen-2: "Possibly Damaging"; Align-GVGD: "Class C0"). In summary, the available evidence is currently insufficient to determine the role of this variant in disease. Therefore, it has been classified as a Variant of Uncertain Significance.

NM_002617.4(PEX10):c.744G>C (p.Glu248Asp)

Gene: PEX10 (peroxisomal biogenesis factor 10; minus strand). Cytogenetic location: 1p36.32.
Variant type: single nucleotide variant.
Coding change: c.744G>C on transcript NM_002617.4 (MANE Select); coding-DNA position 744, G replaced by C.
Protein change: p.Glu248Asp; replaces glutamic acid 248 with aspartic acid.
Molecular consequence: missense variant. On other transcripts: non-coding transcript variant (1).
Genome position (GRCh38, 1-based): chr1:2,406,752, C>G on the plus strand (G>C on the coding strand, the complement: PEX10 is on the minus strand). VCF-style: chr1-2406752-C-G. GRCh37 (hg19) VCF-style: chr1-2338191-C-G.
Other names: c.801G>C, p.Glu267Asp (NM_001374425.1); c.369G>C, p.Glu123Asp (NM_001374426.1); c.312G>C, p.Glu104Asp (NM_001374427.1); c.804G>C, p.Glu268Asp (NM_153818.2); short protein forms E248D, E104D, E123D, E267D, E268D.
Identifiers: ClinVar variation 2063340 (VCV002063340.3), dbSNP rs1033906694, ClinGen allele CA337985136.
Genomic context (GRCh38, chr1:2,406,752, plus strand): 5'-AGCCCCCATGTGTGGCCCCCGCACGCACCTGCGGTGAGACAGGCCGCGGTGCAGCCTCCA[C>G]TCCTTCCTGGCTCGCTGCCGCTGCCTGAAACCGTACAGCTGCAGCCCCATGGACAGCACC-3'
Protein context (NP_002608.1, residues 238-258): GFRQRQRARK[Glu248Asp]WRLHRGLSHR